The following is an entry in ClinVar:

NM_000439.5(PCSK1):c.769A>T (p.Asn257Tyr)

Genes: PCSK1 (proprotein convertase subtilisin/kexin type 1; minus strand), CAST (calpastatin; plus strand), LOC101929710 (uncharacterized LOC101929710; plus strand). Cytogenetic location: 5q15.
Variant type: single nucleotide variant.
Coding change: c.769A>T on transcript NM_000439.5 (MANE Select); coding-DNA position 769, A replaced by T.
Protein change: p.Asn257Tyr; replaces asparagine 257 with tyrosine.
Molecular consequence: missense variant. On other transcripts: intron variant (11).
Genome position (GRCh38, 1-based): chr5:96,412,431, T>A on the plus strand (A>T on the coding strand, the complement: PCSK1 is on the minus strand). VCF-style: chr5-96412431-T-A. GRCh37 (hg19) VCF-style: chr5-95748135-T-A.
Other names: c.628A>T, p.Asn210Tyr (NM_001177875.2); c.-175+32779T>A (NM_001423254.1, NM_001423259.1, NM_001423255.1 and 6 more transcripts); c.-103+32779T>A (NM_001423253.1); c.-40+32779T>A (NM_001423258.1); short protein forms N210Y, N257Y.
Identifiers: ClinVar variation 3348363 (VCV003348363.1).

ClinVar aggregate classification (germline): Uncertain significance (0 of 4 stars; one submission).

Conditions:
PCSK1-related disorder. Also called: PCSK1-related condition.

Submission:

PreventionGenetics, part of Exact Sciences
Classification: Uncertain significance for PCSK1-related condition. Last evaluated: 2024-01-29. Review status: no assertion criteria provided. Collection method: clinical testing. Allele origin: germline.
Comment: The PCSK1 c.769A>T variant is predicted to result in the amino acid substitution p.Asn257Tyr. To our knowledge, this variant has not been reported in the literature or in a large population database, indicating this variant is rare. At this time, the clinical significance of this variant is uncertain due to the absence of conclusive functional and genetic evidence.